The following is an entry in ClinVar:

ClinVar aggregate classification (germline): Uncertain significance (1 of 4 stars; one submission).

Submission:

Labcorp Genetics (formerly Invitae), Labcorp
Classification: Uncertain significance. Last evaluated: 2025-08-06. Review status: criteria provided, single submitter. Criteria: Invitae Variant Classification Sherloc (09022015). Collection method: clinical testing. Allele origin: germline.
Comment: This sequence change replaces leucine, which is neutral and non-polar, with valine, which is neutral and non-polar, at codon 649 of the TRIM28 protein (p.Leu649Val). This variant is not present in population databases (gnomAD no frequency). This variant has not been reported in the literature in individuals affected with TRIM28-related conditions. Experimental studies and prediction algorithms are not available or were not evaluated, and the functional significance of this variant is currently unknown. In summary, the available evidence is currently insufficient to determine the role of this variant in disease. Therefore, it has been classified as a Variant of Uncertain Significance.

NM_005762.3(TRIM28):c.1945C>G (p.Leu649Val)

Gene: TRIM28 (tripartite motif containing 28; plus strand). Cytogenetic location: 19q13.43.
Variant type: single nucleotide variant.
Coding change: c.1945C>G on transcript NM_005762.3 (MANE Select); coding-DNA position 1945, C replaced by G.
Protein change: p.Leu649Val; replaces leucine 649 with valine.
Molecular consequence: missense variant.
Genome position (GRCh38, 1-based): chr19:58,549,613, C>G. VCF-style: chr19-58549613-C-G. GRCh37 (hg19) VCF-style: chr19-59060980-C-G.
Other names: short protein forms L649V.
Identifiers: ClinVar variation 4804208 (VCV004804208.1).
Genomic context (GRCh38, chr19:58,549,613, plus strand): 5'-CGTGTCTGCCAGAAGCCAGGCGATCTGGTTATGTGCAACCAGTGTGAGTTTTGTTTCCAC[C>G]TGGACTGTCACCTGCCGGCCCTGCAGGATGTACCAGGGTGAGTGTGAGGCTGGTGGGGGT-3'
Protein context (NP_005753.1, residues 639-659): MCNQCEFCFH[Leu649Val]DCHLPALQDV